The following is an entry in ClinVar:

NM_001358345.2(SLC8B1):c.820G>A (p.Glu274Lys)

Gene: SLC8B1 (solute carrier family 8 member B1; minus strand). Cytogenetic location: 12q24.13.
Variant type: single nucleotide variant.
Coding change: c.820G>A on transcript NM_001358345.2 (MANE Select); coding-DNA position 820, G replaced by A.
Protein change: p.Glu274Lys; replaces glutamic acid 274 with lysine.
Molecular consequence: missense variant. On other transcripts: non-coding transcript variant (1).
Genome position (GRCh38, 1-based): chr12:113,316,984, C>T on the plus strand (G>A on the coding strand, the complement: SLC8B1 is on the minus strand). VCF-style: chr12-113316984-C-T. GRCh37 (hg19) VCF-style: chr12-113754789-C-T.
Other names: c.652G>A, p.Glu218Lys (NM_001330466.2); c.820G>A, p.Glu274Lys (NM_024959.4); short protein forms E274K, E218K.
Identifiers: ClinVar variation 5029671 (VCV005029671.1).
Genomic context (GRCh38, chr12:113,316,984, plus strand): 5'-CACAGGGCACGGACTCACCGTAGTCATAGCTGTTGGTATTAGAAGATACCCGGTCCTCCT[C>T]GGAGTCTGAGAGGATCTCTGCAGGAGAGAGGCCCAGTTACATACAGAACCCAGACCATTT-3'
Protein context (NP_001345274.1, residues 264-284): PVTPEILSDS[Glu274Lys]EDRVSSNTNS

ClinVar aggregate classification (germline): Uncertain significance (1 of 4 stars; one submission).

gnomAD v4.1: 8 of 1,613,072 alleles (0.0005%); highest among the groups gnomAD compares: East Asian, 0.0022%; no homozygotes.

Submission:

Ambry Genetics
Classification: Uncertain significance. Last evaluated: 2026-09-09. Review status: criteria provided, single submitter. Criteria: Ambry Variant Classification Scheme 2023. Collection method: clinical testing. Allele origin: germline.
Comment: The c.820G>A (p.E274K) alteration is located in exon 9 (coding exon 8) of the SLC8B1 gene. This alteration results from a G to A substitution at nucleotide position 820, causing the glutamic acid (E) at amino acid position 274 to be replaced by a lysine (K). Based on data from gnomAD, the A allele has an overall frequency of <0.001% (1/248990) total alleles studied. The highest observed frequency was 0.001% (1/112818) of European (non-Finnish) alleles. Based on insufficient or conflicting evidence, the clinical significance of this alteration remains unclear.